The following is an entry in ClinVar:

ClinVar aggregate classification (germline): Uncertain significance. Review status: criteria provided, multiple submitters, no conflicts (2 of 4 stars). 3 submissions from 3 submitters: Uncertain significance (3). Last evaluated 2025-08-07.

Conditions:
Classic or attenuated familial adenomatous polyposis. Identifiers: MedGen CN372698, MONDO:0021057.
Hereditary cancer-predisposing syndrome. Also called: Hereditary neoplastic syndrome; Hereditary Cancer Syndrome; Neoplastic Syndromes, Hereditary; Tumor predisposition. Identifiers: Orphanet 140162, MedGen C0027672, MeSH D009386, MONDO:0015356.
Familial adenomatous polyposis 1 (FAP1). Also called: FAMILIAL ADENOMATOUS POLYPOSIS 1, ATTENUATED; POLYPOSIS, ADENOMATOUS INTESTINAL. Identifiers: MedGen C2713442, MONDO:0021056, OMIM 175100. Disease mechanism: loss of function.

Allele frequency attached by ClinVar (database versions not stated): gnomAD exomes below 0.00001.
gnomAD v4.1: 1 of 1,614,100 alleles (0.000062%); highest among the groups gnomAD compares: South Asian, 0.0011%; no homozygotes.

Submissions (3):

Labcorp Genetics (formerly Invitae), Labcorp
Classification: Uncertain significance for Familial adenomatous polyposis 1. Last evaluated: 2025-08-07. Review status: criteria provided, single submitter. Criteria: Invitae Variant Classification Sherloc (09022015). Collection method: clinical testing. Allele origin: germline.
Comment: This sequence change replaces serine, which is neutral and polar, with phenylalanine, which is neutral and non-polar, at codon 1559 of the APC protein (p.Ser1559Phe). This variant is not present in population databases (gnomAD no frequency). This variant has not been reported in the literature in individuals affected with APC-related conditions. ClinVar contains an entry for this variant (Variation ID: 236603). Invitae Evidence Modeling of protein sequence and biophysical properties (such as structural, functional, and spatial information, amino acid conservation, physicochemical variation, residue mobility, and thermodynamic stability) indicates that this missense variant is not expected to disrupt APC protein function with a negative predictive value of 95%. In summary, the available evidence is currently insufficient to determine the role of this variant in disease. Therefore, it has been classified as a Variant of Uncertain Significance.

Ambry Genetics
Classification: Uncertain significance for Hereditary cancer-predisposing syndrome. Last evaluated: 2024-11-21. Review status: criteria provided, single submitter. Criteria: Ambry Variant Classification Scheme 2023. Collection method: clinical testing. Allele origin: germline.
Comment: The p.S1559F variant (also known as c.4676C>T), located in coding exon 15 of the APC gene, results from a C to T substitution at nucleotide position 4676. The serine at codon 1559 is replaced by phenylalanine, an amino acid with highly dissimilar properties. This amino acid position is conserved. Missense alterations in APC are not a common cause of disease (Spier I et al. Genet Med. 2024 Feb;26(2):100992). In addition, in silico predictors for this gene do not accurately predict pathogenicity. Since supporting evidence is limited at this time, the clinical significance of this alteration remains unclear.

All of Us Research Program, National Institutes of Health
Classification: Uncertain significance for Classic or attenuated familial adenomatous polyposis. Last evaluated: 2024-06-11. Review status: criteria provided, single submitter. Criteria: ACMG Guidelines, 2015. Collection method: clinical testing. Allele origin: germline. Inheritance: Autosomal dominant inheritance. Observed: 2 variant alleles, 2 heterozygotes.
Comment: This study involves interpretation of variants in research participants for the purpose of population health screening. Participant phenotype was not available at the time of variant classification. Additional details can be found in publication PMID: 35346344, PMCID: PMC8962531

NM_000038.6(APC):c.4676C>T (p.Ser1559Phe)

Gene: APC (APC regulator of Wnt signaling pathway; plus strand). Cytogenetic location: 5q22.2.
Variant type: single nucleotide variant.
Coding change: c.4676C>T on transcript NM_000038.6 (MANE Select); coding-DNA position 4676, C replaced by T.
Protein change: p.Ser1559Phe; replaces serine 1559 with phenylalanine.
Molecular consequence: missense variant.
Genome position (GRCh38, 1-based): chr5:112,840,270, C>T. VCF-style: chr5-112840270-C-T. GRCh37 (hg19) VCF-style: chr5-112175967-C-T.
Other names: c.4676C>T, p.Ser1559Phe (NM_001127510.3, NM_001354895.2); c.4622C>T, p.Ser1541Phe (NM_001127511.3); c.4730C>T, p.Ser1577Phe (NM_001354896.2); c.4706C>T, p.Ser1569Phe (NM_001354897.2); c.4601C>T, p.Ser1534Phe (NM_001354898.2); c.4592C>T, p.Ser1531Phe (NM_001354899.2); c.4553C>T, p.Ser1518Phe (NM_001354900.2); c.4499C>T, p.Ser1500Phe (NM_001354901.2); and 5 more; short protein forms S1541F, S1559F, S1468F, S1534F, S1276F, S1433F, S1518F, S1569F.
Identifiers: ClinVar variation 236603 (VCV000236603.15), dbSNP rs878853448, ClinGen allele CA10582316.
Genomic context (GRCh38, chr5:112,840,270, plus strand): 5'-CAGAGCAGCCTAAAGAATCAAATGAAAACCAAGAGAAAGAGGCAGAAAAAACTATTGATT[C>T]TGAAAAGGACCTATTAGATGATTCAGATGATGATGATATTGAAATACTAGAAGAATGTAT-3'
Protein context (NP_000029.2, residues 1549-1569): QEKEAEKTID[Ser1559Phe]EKDLLDDSDD